The following is an entry in ClinVar:

NM_001943.5(DSG2):c.2671C>T (p.Pro891Ser)

Genes: DSG2 (desmoglein 2; plus strand), DSG2-AS1 (DSG2 antisense RNA 1; minus strand). Cytogenetic location: 18q12.1.
Variant type: single nucleotide variant.
Coding change: c.2671C>T on transcript NM_001943.5 (MANE Select); coding-DNA position 2671, C replaced by T.
Protein change: p.Pro891Ser; replaces proline 891 with serine.
Molecular consequence: missense variant.
Genome position (GRCh38, 1-based): chr18:31,546,057, C>T. VCF-style: chr18-31546057-C-T. GRCh37 (hg19) VCF-style: chr18-29126020-C-T.
Other names: short protein forms P891S.
Identifiers: ClinVar variation 4870110 (VCV004870110.1).

ClinVar aggregate classification (germline): Uncertain significance (1 of 4 stars; one submission).

Conditions:
Cardiovascular phenotype. Identifiers: MedGen CN230736.

Submission:

Ambry Genetics
Classification: Uncertain significance for Cardiovascular phenotype. Last evaluated: 2026-04-04. Review status: criteria provided, single submitter. Criteria: Ambry Variant Classification Scheme 2023. Collection method: clinical testing. Allele origin: germline.
Comment: The p.P891S variant (also known as c.2671C>T), located in coding exon 15 of the DSG2 gene, results from a C to T substitution at nucleotide position 2671. The proline at codon 891 is replaced by serine, an amino acid with similar properties. This amino acid position is conserved. In addition, this alteration is predicted to be tolerated by in silico analysis. Based on the available evidence, the clinical significance of this variant remains unclear.